The following is an entry in ClinVar:

ClinVar aggregate classification (germline): Uncertain significance. Review status: criteria provided, multiple submitters, no conflicts (2 of 4 stars). 2 submissions from 2 submitters: Uncertain significance (2). Last evaluated 2022-09-20.

Allele frequency attached by ClinVar (database versions not stated): ExAC 0.00001; gnomAD 0.00001; gnomAD exomes 0.00001; TOPMed 0.00001; ESP Exome Variant Server 0.00008.
gnomAD v4.1: 16 of 1,614,080 alleles (0.00099%); highest among the groups gnomAD compares: African/African-American, 0.0027%; no homozygotes.

Submissions (2):

Blueprint Genetics
Classification: Uncertain significance. Last evaluated: 2022-09-20. Review status: criteria provided, single submitter. Criteria: ACMG Guidelines, 2015. Collection method: clinical testing. Allele origin: germline.

Labcorp Genetics (formerly Invitae), Labcorp
Classification: Uncertain significance. Last evaluated: 2022-04-09. Review status: criteria provided, single submitter. Criteria: Invitae Variant Classification Sherloc (09022015). Collection method: clinical testing. Allele origin: germline.
Comment: This sequence change replaces asparagine, which is neutral and polar, with serine, which is neutral and polar, at codon 225 of the CLRN1 protein (p.Asn225Ser). This variant is present in population databases (rs374962194, gnomAD 0.007%). This variant has not been reported in the literature in individuals affected with CLRN1-related conditions. Algorithms developed to predict the effect of missense changes on protein structure and function output the following: SIFT: "Tolerated"; PolyPhen-2: "Benign"; Align-GVGD: "Class C0". The serine amino acid residue is found in multiple mammalian species, which suggests that this missense change does not adversely affect protein function. In summary, the available evidence is currently insufficient to determine the role of this variant in disease. Therefore, it has been classified as a Variant of Uncertain Significance.

NM_174878.3(CLRN1):c.674A>G (p.Asn225Ser)

Gene: CLRN1 (clarin 1; minus strand). Cytogenetic location: 3q25.1.
Variant type: single nucleotide variant.
Coding change: c.674A>G on transcript NM_174878.3 (MANE Select); coding-DNA position 674, A replaced by G.
Protein change: p.Asn225Ser; replaces asparagine 225 with serine.
Molecular consequence: missense variant. On other transcripts: 3 prime UTR variant (1), non-coding transcript variant (1), intron variant (1).
Genome position (GRCh38, 1-based): chr3:150,927,961, T>C on the plus strand (A>G on the coding strand, the complement: CLRN1 is on the minus strand). VCF-style: chr3-150927961-T-C. GRCh37 (hg19) VCF-style: chr3-150645748-T-C.
Other names: c.713A>G, p.Asn238Ser (NM_001195794.1); c.*288A>G (NM_001256819.2); c.342+104A>G (NM_052995.2); short protein forms N225S, N238S.
Identifiers: ClinVar variation 1980860 (VCV001980860.2), dbSNP rs374962194, ClinGen allele CA2665992.
Genomic context (GRCh38, chr3:150,927,961, plus strand): 5'-CTACTCCCTTGTAAAATTATAGAAAGGTTTGCCTTTCAGTACATTAGATCTGCAGCTACA[T>C]TAGTTGTTTCTGCGTCTTTAGATTTTGCAAAAGGGAACTGAAATCCAGCAAGTCGTATTA-3'
Protein context (NP_777367.1, residues 215-232): FAKSKDAETT[Asn225Ser]VAADLMY